The following is an entry in ClinVar:

ClinVar aggregate classification (germline): Pathogenic (1 of 4 stars; one submission).

Conditions:
Arrhythmogenic cardiomyopathy with wooly hair and keratoderma. Also called: Arrhythmogenic cardiomyopathy with woolly hair and keratoderma; PALMOPLANTAR KERATODERMA WITH LEFT VENTRICULAR CARDIOMYOPATHY AND WOOLLY HAIR; Carvajal syndrome; Dilated cardiomyopathy with woolly hair and keratoderma. Identifiers: Orphanet 65282, MedGen C1854063, MONDO:0011581, OMIM 605676.
Arrhythmogenic right ventricular dysplasia 8 (ARVD8). Also called: Arrhythmogenic Right Ventricular Dysplasia/Cardiomyopathy 8; ARRHYTHMOGENIC RIGHT VENTRICULAR DYSPLASIA, FAMILIAL, 8; ARRHYTHMOGENIC RIGHT VENTRICULAR CARDIOMYOPATHY 8. Identifiers: MedGen C1843896, MONDO:0011831, OMIM 607450.

Submission:

Labcorp Genetics (formerly Invitae), Labcorp
Classification: Pathogenic for Arrhythmogenic cardiomyopathy with wooly hair and keratoderma; Arrhythmogenic right ventricular dysplasia 8. Last evaluated: 2023-01-24. Review status: criteria provided, single submitter. Criteria: Invitae Variant Classification Sherloc (09022015). Collection method: clinical testing. Allele origin: germline.
Comment: This sequence change creates a premature translational stop signal (p.Gln139Argfs*57) in the DSP gene. It is expected to result in an absent or disrupted protein product. Loss-of-function variants in DSP are known to be pathogenic (PMID: 20716751, 24503780, 25227139). This variant is not present in population databases (gnomAD no frequency). This variant has not been reported in the literature in individuals affected with DSP-related conditions. For these reasons, this variant has been classified as Pathogenic.

Literature cited by the submitters: PubMed 20716751; PubMed 24503780; PubMed 25227139.

NM_004415.4(DSP):c.415del (p.Gln139fs)

Gene: DSP (desmoplakin; plus strand). Cytogenetic location: 6p24.3.
Variant type: Deletion.
Coding change: c.415del on transcript NM_004415.4 (MANE Select); coding-DNA position 415, one base deleted (C; older notation c.415delC).
Protein change: p.Gln139fs; shifts the reading frame from glutamine 139.
Molecular consequence: frameshift variant.
Genome position (GRCh38, 1-based): chr6:7,558,257, C deleted; the last of 2 consecutive C bases (chr6:7,558,256-7,558,257); deleting either gives the same sequence. VCF-style (leftmost placement, unchanged base first): chr6-7558255-AC-A. GRCh37 (hg19) VCF-style: chr6-7558488-AC-A.
Other names: c.415del, p.Gln139fs (NM_001008844.3, NM_001319034.2, NM_001406591.1); short protein forms Q139fs.
Identifiers: ClinVar variation 2943570 (VCV002943570.3), dbSNP rs2533849722, ClinGen allele CA2740094226.